The following is an entry in ClinVar:

ClinVar aggregate classification (germline): Uncertain significance (1 of 4 stars; one submission).

Conditions:
Inborn genetic diseases. Identifiers: MedGen C0950123, MeSH D030342.

Submission:

Ambry Genetics
Classification: Uncertain significance for Inborn genetic diseases. Last evaluated: 2025-09-29. Review status: criteria provided, single submitter. Criteria: Ambry Variant Classification Scheme 2023. Collection method: clinical testing. Allele origin: germline.
Comment: The p.L720F variant (also known as c.2160G>C), located in coding exon 8 of the MECOM gene, results from a G to C substitution at nucleotide position 2160. The leucine at codon 720 is replaced by phenylalanine, an amino acid with highly similar properties. This amino acid position is conserved. In addition, this alteration is predicted to be tolerated by in silico analysis. Based on the available evidence, the clinical significance of this variant remains unclear.

NM_004991.4(MECOM):c.2160G>C (p.Leu720Phe)

Gene: MECOM (MDS1 and EVI1 complex locus; minus strand). Cytogenetic location: 3q26.2.
Variant type: single nucleotide variant.
Coding change: c.2160G>C on transcript NM_004991.4 (MANE Select); coding-DNA position 2160, G replaced by C.
Protein change: p.Leu720Phe; replaces leucine 720 with phenylalanine.
Molecular consequence: missense variant.
Genome position (GRCh38, 1-based): chr3:169,115,712, C>G on the plus strand (G>C on the coding strand, the complement: MECOM is on the minus strand). VCF-style: chr3-169115712-C-G. GRCh37 (hg19) VCF-style: chr3-168833500-C-G.
Other names: c.1791G>C, p.Leu597Phe (NM_001105077.4); c.1596G>C, p.Leu532Phe (NM_001105078.4, NM_001164000.2, NM_001205194.2 and 4 more transcripts); c.1599G>C, p.Leu533Phe (NM_001163999.2, NM_001366467.2, NM_001366468.2 and 1 more transcripts); c.2160G>C, p.Leu720Phe (NM_001366466.2); c.1188G>C, p.Leu396Phe (NM_001366473.2); c.624G>C, p.Leu208Phe (NM_001366474.2); short protein forms L532F, L533F, L597F, L720F, L208F, L396F.
Identifiers: ClinVar variation 4624617 (VCV004624617.1).